The following is an entry in ClinVar:

ClinVar aggregate classification (germline): Uncertain significance (1 of 4 stars; one submission).

Conditions:
Chédiak-Higashi syndrome (CHS). Also called: Chediak-Higashi Syndrome. Identifiers: Orphanet 167, MedGen C0007965, MONDO:0008963, OMIM 214500.

Allele frequency attached by ClinVar (database versions not stated): gnomAD exomes below 0.00001; gnomAD 0.00001; TOPMed 0.00001.
gnomAD v4.1: 4 of 1,613,900 alleles (0.00025%); highest among the groups gnomAD compares: Non-Finnish European, 0.00034%; no homozygotes.

Submission:

Labcorp Genetics (formerly Invitae), Labcorp
Classification: Uncertain significance for Chédiak-Higashi syndrome. Last evaluated: 2022-08-07. Review status: criteria provided, single submitter. Criteria: Invitae Variant Classification Sherloc (09022015). Collection method: clinical testing. Allele origin: germline.
Comment: This sequence change replaces glycine, which is neutral and non-polar, with glutamic acid, which is acidic and polar, at codon 841 of the LYST protein (p.Gly841Glu). This variant is not present in population databases (gnomAD no frequency). This variant has not been reported in the literature in individuals affected with LYST-related conditions. Algorithms developed to predict the effect of missense changes on protein structure and function are either unavailable or do not agree on the potential impact of this missense change (SIFT: "Tolerated"; PolyPhen-2: "Probably Damaging"; Align-GVGD: "Class C0"). In summary, the available evidence is currently insufficient to determine the role of this variant in disease. Therefore, it has been classified as a Variant of Uncertain Significance.

NM_000081.4(LYST):c.2522G>A (p.Gly841Glu)

Gene: LYST (lysosomal trafficking regulator; minus strand). Cytogenetic location: 1q42.3.
Variant type: single nucleotide variant.
Coding change: c.2522G>A on transcript NM_000081.4 (MANE Select); coding-DNA position 2522, G replaced by A.
Protein change: p.Gly841Glu; replaces glycine 841 with glutamic acid.
Molecular consequence: missense variant.
Genome position (GRCh38, 1-based): chr1:235,806,614, C>T on the plus strand (G>A on the coding strand, the complement: LYST is on the minus strand). VCF-style: chr1-235806614-C-T. GRCh37 (hg19) VCF-style: chr1-235969914-C-T.
Other names: c.2522G>A, p.Gly841Glu (NM_001301365.1); short protein forms G841E.
Identifiers: ClinVar variation 2179964 (VCV002179964.1), dbSNP rs1434832984, ClinGen allele CA344956853.